The following is an entry in ClinVar:

ClinVar aggregate classification (germline): Uncertain significance (1 of 4 stars; one submission).

Allele frequency attached by ClinVar (database versions not stated): gnomAD exomes below 0.00001; ExAC 0.00002; gnomAD 0.00002; TOPMed 0.00002; ESP Exome Variant Server 0.00008.
gnomAD v4.1: 7 of 1,611,624 alleles (0.00043%); highest among the groups gnomAD compares: African/African-American, 0.0053%; no homozygotes.

Submission:

Labcorp Genetics (formerly Invitae), Labcorp
Classification: Uncertain significance. Last evaluated: 2022-02-11. Review status: criteria provided, single submitter. Criteria: Invitae Variant Classification Sherloc (09022015). Collection method: clinical testing. Allele origin: germline.
Comment: In summary, the available evidence is currently insufficient to determine the role of this variant in disease. Therefore, it has been classified as a Variant of Uncertain Significance. Algorithms developed to predict the effect of missense changes on protein structure and function are either unavailable or do not agree on the potential impact of this missense change (SIFT: "Deleterious"; PolyPhen-2: "Benign"; Align-GVGD: "Class C0"). This sequence change replaces cysteine, which is neutral and slightly polar, with arginine, which is basic and polar, at codon 169 of the SLC24A5 protein (p.Cys169Arg). This variant has not been reported in the literature in individuals affected with SLC24A5-related conditions. This variant is present in population databases (rs374448307, gnomAD 0.006%).

NM_205850.3(SLC24A5):c.505T>C (p.Cys169Arg)

Genes: MYEF2 (myelin expression factor 2; minus strand), SLC24A5 (solute carrier family 24 member 5; plus strand). Cytogenetic location: 15q21.1.
Variant type: single nucleotide variant.
Coding change: c.505T>C on transcript NM_205850.3 (MANE Select); coding-DNA position 505, T replaced by C.
Protein change: p.Cys169Arg; replaces cysteine 169 with arginine.
Molecular consequence: missense variant. On other transcripts: 3 prime UTR variant (2).
Genome position (GRCh38, 1-based): chr15:48,134,899, T>C. VCF-style: chr15-48134899-T-C. GRCh37 (hg19) VCF-style: chr15-48427096-T-C.
Other names: c.*8009A>G (NM_001301210.2, NM_016132.5); short protein forms C169R.
Identifiers: ClinVar variation 1920528 (VCV001920528.5), dbSNP rs374448307, ClinGen allele CA7545901.